The following is an entry in ClinVar:

ClinVar aggregate classification (germline): Pathogenic (1 of 4 stars; one submission).

Conditions:
Juvenile polyposis syndrome (JPS). Identifiers: Orphanet 2929, MedGen C0345893, MONDO:0017380, OMIM 174900.

Submission:

Labcorp Genetics (formerly Invitae), Labcorp
Classification: Pathogenic for Juvenile polyposis syndrome. Last evaluated: 2021-05-04. Review status: criteria provided, single submitter. Criteria: Invitae Variant Classification Sherloc (09022015). Collection method: clinical testing. Allele origin: germline.
Comment: This variant disrupts the C-terminus of the SMAD4 protein. Other variant(s) that disrupt this region (p.Ala532Profs*5) have been determined to be pathogenic (PMID: 15031030). This suggests that variants that disrupt this region of the protein are likely to be causative of disease. This variant has not been reported in the literature in individuals with SMAD4-related conditions. This variant is not present in population databases (ExAC no frequency). This sequence change creates a premature translational stop signal (p.Ser517Alafs*20) in the SMAD4 gene. While this is not anticipated to result in nonsense mediated decay, it is expected to disrupt the last 36 amino acid(s) of the SMAD4 protein. For these reasons, this variant has been classified as Pathogenic.

Literature cited by the submitters: PubMed 15031030.

NM_005359.6(SMAD4):c.1548del (p.Ser517fs)

Gene: SMAD4 (SMAD family member 4; plus strand). Cytogenetic location: 18q21.2.
Variant type: Deletion.
Coding change: c.1548del on transcript NM_005359.6 (MANE Select); coding-DNA position 1548, one base deleted (G; older notation c.1548delG).
Protein change: p.Ser517fs; shifts the reading frame from serine 517.
Molecular consequence: frameshift variant.
Genome position (GRCh38, 1-based): chr18:51,078,356, G deleted. VCF-style (leftmost placement, unchanged base first): chr18-51078355-AG-A. GRCh37 (hg19) VCF-style: chr18-48604725-AG-A.
Other names: short protein forms S517fs.
Identifiers: ClinVar variation 1453585 (VCV001453585.8), dbSNP rs2144478902, ClinGen allele CA2573155360.